The following is an entry in ClinVar:

NM_001048174.2(MUTYH):c.1084G>T (p.Val362Leu)

Gene: MUTYH (mutY DNA glycosylase; minus strand). Cytogenetic location: 1p34.1.
Variant type: single nucleotide variant.
Coding change: c.1084G>T on transcript NM_001048174.2 (MANE Select); coding-DNA position 1084, G replaced by T.
Protein change: p.Val362Leu; replaces valine 362 with leucine.
Molecular consequence: missense variant. On other transcripts: non-coding transcript variant (2).
Genome position (GRCh38, 1-based): chr1:45,331,679, C>A on the plus strand (G>T on the coding strand, the complement: MUTYH is on the minus strand). VCF-style: chr1-45331679-C-A. GRCh37 (hg19) VCF-style: chr1-45797351-C-A.
Other names: c.1084G>T, p.Val362Leu (NM_001048171.2, NM_001048173.2, NM_001293195.2); c.1087G>T, p.Val363Leu (NM_001048172.2); c.1168G>T, p.Val390Leu (NM_001128425.2); c.1129G>T, p.Val377Leu (NM_001293190.2); c.1117G>T, p.Val373Leu (NM_001293191.2); c.808G>T, p.Val270Leu (NM_001293192.2, NM_001293196.2); c.739G>T, p.Val247Leu (NM_001350650.2, NM_001350651.2); c.1159G>T, p.Val387Leu (NM_012222.3); short protein forms V270L, V373L, V390L, V247L, V362L, V363L, V387L, V377L.
Identifiers: ClinVar variation 945778 (VCV000945778.15), dbSNP rs1644891144, ClinGen allele CA340133314.
Genomic context (GRCh38, chr1:45,331,679, plus strand): 5'-TGTTACTCATGCCACTGCCCTCCACGCCCAGTATCCAGGTACCTGAGTTGGGCCTCTGCA[C>A]CAGCAGAATTTGGGCCCCAAGGGCCCCAGGCTGTTCCAGAACACAGGTGGCAGAGCTCTC-3'
Protein context (NP_001041639.1, residues 352-372): PGALGAQILL[Val362Leu]QRPNSGLLAG

ClinVar aggregate classification (germline): Conflicting classifications of pathogenicity. Review status: criteria provided, conflicting classifications (1 of 4 stars). 4 submissions from 4 submitters: Uncertain significance (3); Likely benign (1). Last evaluated 2025-09-09.

Conditions:
Hereditary cancer-predisposing syndrome. Also called: Neoplastic Syndromes, Hereditary; Tumor predisposition; Hereditary Cancer Syndrome; Hereditary neoplastic syndrome. Identifiers: Orphanet 140162, MedGen C0027672, MeSH D009386, MONDO:0015356.
Familial adenomatous polyposis 2. Also called: Adenomas, multiple colorectal; MUTYH Polyposis; COLORECTAL ADENOMATOUS POLYPOSIS, AUTOSOMAL RECESSIVE; ADENOMAS, MULTIPLE COLORECTAL, AUTOSOMAL RECESSIVE; MUTYH-associated polyposis; MUTYH-related attenuated familial adenomatous polyposis. Identifiers: Orphanet 220460, Orphanet 247798, MedGen C3272841, MONDO:0012041, OMIM 608456.

Submissions (4):

Ambry Genetics
Classification: Likely benign for Hereditary cancer-predisposing syndrome. Last evaluated: 2025-09-09. Review status: criteria provided, single submitter. Criteria: Ambry Variant Classification Scheme 2023. Collection method: clinical testing. Allele origin: germline.

Color Diagnostics, LLC DBA Color Health
Classification: Uncertain significance for Hereditary cancer-predisposing syndrome. Last evaluated: 2022-09-14. Review status: criteria provided, single submitter. Criteria: ACMG Guidelines, 2015. Collection method: clinical testing. Allele origin: germline.
Comment: This missense variant replaces valine with leucine at codon 390 of the MUTYH protein. Computational prediction is inconclusive regarding the impact of this variant on protein structure and function (internally defined REVEL score threshold 0.5 < inconclusive < 0.7, PMID: 27666373). To our knowledge, functional studies have not been reported for this variant. This variant has been reported in an individual affected with breast and ovarian cancer (PMID: 33343895). This variant has not been identified in the general population by the Genome Aggregation Database (gnomAD). The available evidence is insufficient to determine the role of this variant in disease conclusively. Therefore, this variant is classified as a Variant of Uncertain Significance.

Labcorp Genetics (formerly Invitae), Labcorp
Classification: Uncertain significance for Familial adenomatous polyposis 2. Last evaluated: 2022-04-03. Review status: criteria provided, single submitter. Criteria: Invitae Variant Classification Sherloc (09022015). Collection method: clinical testing. Allele origin: germline.
Comment: This sequence change replaces valine, which is neutral and non-polar, with leucine, which is neutral and non-polar, at codon 390 of the MUTYH protein (p.Val390Leu). This variant is not present in population databases (gnomAD no frequency). This variant has not been reported in the literature in individuals affected with MUTYH-related conditions. ClinVar contains an entry for this variant (Variation ID: 945778). Algorithms developed to predict the effect of missense changes on protein structure and function (SIFT, PolyPhen-2, Align-GVGD) all suggest that this variant is likely to be tolerated. In summary, the available evidence is currently insufficient to determine the role of this variant in disease. Therefore, it has been classified as a Variant of Uncertain Significance.

GeneDx
Classification: Uncertain significance. Last evaluated: 2020-03-05. Review status: criteria provided, single submitter. Criteria: GeneDx Variant Classification Process June 2021. Collection method: clinical testing. Allele origin: germline. Affected: yes.
Comment: Has not been previously published as pathogenic or benign to our knowledge; Not observed in large population cohorts (Lek 2016); In silico analysis supports that this missense variant does not alter protein structure/function

Literature cited by the submitters: PubMed 40738107 (cited by Ambry Genetics); PubMed 33343895 (cited by Color Diagnostics, LLC DBA Color Health).